The following is an entry in ClinVar:

ClinVar aggregate classification (germline): Conflicting classifications of pathogenicity. Review status: criteria provided, conflicting classifications (1 of 4 stars). 7 submissions from 7 submitters: Uncertain significance (5); Likely benign (1). 1 of the submissions does not count toward it. Last evaluated 2026-02-18.

Conditions:
BRCA2-related disorder. Also called: BRCA2-related condition; BRCA2-related disorders. Identifiers: MedGen CN239275.
Hereditary cancer-predisposing syndrome. Also called: Tumor predisposition; Neoplastic Syndromes, Hereditary; Hereditary Cancer Syndrome; Hereditary neoplastic syndrome. Identifiers: Orphanet 140162, MedGen C0027672, MeSH D009386, MONDO:0015356.
Hereditary breast ovarian cancer syndrome. Also called: Hereditary breast and ovarian cancer; Hereditary breast and/or ovarian cancer syndrome; Hereditary breast and ovarian cancer syndrome (HBOC); Hereditary breast and ovarian cancer syndrome; Breast and ovarian cancer; BRCA1- and BRCA2-Associated Hereditary Breast and Ovarian Cancer. Identifiers: Orphanet 145, MedGen C0677776, MeSH D061325, MONDO:0003582. Disease mechanism: loss of function.
Familial cancer of breast. Also called: BREAST CANCER, FAMILIAL; Hereditary breast cancer; hereditary breast carcinoma. Identifiers: Orphanet 227535, MedGen C0346153, MONDO:0016419, OMIM 114480. Disease mechanism: loss of function.

Allele frequency attached by ClinVar (database versions not stated): gnomAD exomes below 0.00001; ExAC 0.00001; gnomAD 0.00002; TOPMed 0.00003; ESP Exome Variant Server 0.00008.
gnomAD v4.1: 5 of 1,614,018 alleles (0.00031%); highest among the groups gnomAD compares: African/African-American, 0.004%; 1 homozygote.

Submissions (7):

Women's Health and Genetics/Laboratory Corporation of America, LabCorp
Classification: Uncertain significance. Last evaluated: 2026-02-18. Review status: criteria provided, single submitter. Criteria: LabCorp Variant Classification Summary - May 2015. Collection method: clinical testing. Allele origin: germline.
Comment: Variant summary: BRCA2 c.8737G>C (p.Asp2913His) results in a non-conservative amino acid change in the encoded protein sequence. Algorithms developed to predict the effect of missense changes on protein structure and function all suggest that this variant is likely to be disruptive. The variant allele was found at a frequency of 4e-06 in 251192 control chromosomes (gnomAD). The available data on variant occurrences in the general population are insufficient to allow any conclusion about variant significance. To our knowledge, no occurrence of c.8737G>C in individuals affected with BRCA2-related conditions has been reported. Co-occurrence with a pathogenic variant has been reported (BRCA1 c.815_824dupAGCCATGTGG, p.Thr276fsX14; UMD BRCA2 database), providing supporting evidence for a benign role. Publications report experimental evidence evaluating an impact on protein function. The most pronounced variant effect resulted in mild impact on BRCA2 function (Ikegami_2020), while other studied found a neutral effect (e.g. Hart_2018, Biswas_2023, Hu_2024). The following publications have been ascertained in the context of this evaluation (PMID: 29884841, 32444794, 33609447, 38417439, 37922907). ClinVar contains an entry for this variant (Variation ID: 231585). Based on the evidence outlined above, the variant was classified as uncertain significance.

Labcorp Genetics (formerly Invitae), Labcorp
Classification: Uncertain significance for Hereditary breast ovarian cancer syndrome. Last evaluated: 2025-10-09. Review status: criteria provided, single submitter. Criteria: Invitae Variant Classification Sherloc (09022015). Collection method: clinical testing. Allele origin: germline.
Comment: This sequence change replaces aspartic acid, which is acidic and polar, with histidine, which is basic and polar, at codon 2913 of the BRCA2 protein (p.Asp2913His). This variant is present in population databases (rs144322424, gnomAD 0.02%). This variant has not been reported in the literature in individuals affected with BRCA2-related conditions. ClinVar contains an entry for this variant (Variation ID: 231585). Invitae Evidence Modeling incorporating data from in vitro experimental studies (PMID: 33609447) indicates that this missense variant is not expected to disrupt BRCA2 function with a negative predictive value of 95%. Experimental studies have shown that this missense change does not substantially affect BRCA2 function (PMID: 29884841, 32444794). In summary, the available evidence is currently insufficient to determine the role of this variant in disease. Therefore, it has been classified as a Variant of Uncertain Significance.

Baylor Genetics
Classification: Uncertain significance for Familial cancer of breast. Last evaluated: 2023-12-29. Review status: criteria provided, single submitter. Criteria: ACMG Guidelines, 2015. Collection method: clinical testing. Allele origin: unknown.

Quest Diagnostics Nichols Institute San Juan Capistrano
Classification: Uncertain significance. Last evaluated: 2022-06-27. Review status: criteria provided, single submitter. Criteria: Quest Diagnostics criteria. Collection method: clinical testing. Allele origin: unknown.
Comment: The frequency of this variant in the general population, 0.00012 (3/24952 chromosomes), is uninformative in assessment of its pathogenicity. This variant has been reported to co-occur with a pathogenic variant in the BRCA1 gene (BRCA Share), suggesting it may not be the primary cause of disease. In the published literature, functional studies indicate this variant has neutral to intermediate effects on BRCA2 homology-directed DNA repair activity (PMIDs: 33609447 (2021), 32444794 (2020), 29884841 (2019)). Additional analysis of this variant using bioinformatics tools for the prediction of the effect of amino acid changes on protein structure and function yielded conflicting predictions that this variant is benign or damaging. Based on the available information, we are unable to determine the clinical significance of this variant.

Sema4
Classification: Uncertain significance for Hereditary cancer-predisposing syndrome. Last evaluated: 2021-04-08. Review status: criteria provided, single submitter. Criteria: Sema4 Curation Guidelines. Collection method: curation. Allele origin: germline.
Comment: To the best of our knowledge, the BRCA2 c.8737G>C (p.D2913H) variant has not been reported in individuals with BRCA2-related disease. An HRD assay demonstrated the normal function of the protein (PMID: 29884841). This variant has been reported in ClinVar database (Variation ID: 231585). In silico tools that assess the impact of the variant on protein function are inconclusive. There is no indication that this variant causes disease, but the evidence is insufficient currently to prove that conclusively. In summary, the clinical significance of this variant is currently uncertain.

Ambry Genetics
Classification: Likely benign for Hereditary cancer-predisposing syndrome. Last evaluated: 2019-12-06. Review status: criteria provided, single submitter. Criteria: Ambry Variant Classification Scheme 2023. Collection method: clinical testing. Allele origin: germline.

PreventionGenetics, part of Exact Sciences
Classification: Uncertain significance for BRCA2-related condition. Last evaluated: 2024-06-03. Review status: no assertion criteria provided. Collection method: clinical testing. Allele origin: germline. Not counted in ClinVar's aggregate classification.
Comment: The BRCA2 c.8737G>C variant is predicted to result in the amino acid substitution p.Asp2913His. To our knowledge, this variant has not been reported in the literature. This variant is reported in 0.012% of alleles in individuals of African descent in gnomAD. At this time, the clinical significance of this variant is uncertain due to the absence of conclusive functional and genetic evidence.

Literature cited by the submitters: PubMed 29884841 (cited by 5 submitters); PubMed 32444794 (cited by 3 submitters); PubMed 33609447 (cited by 3 submitters); PubMed 37922907 (cited by Women's Health and Genetics/Laboratory Corporation of America, LabCorp); PubMed 38417439 (cited by Women's Health and Genetics/Laboratory Corporation of America, LabCorp).

NM_000059.4(BRCA2):c.8737G>C (p.Asp2913His)

Gene: BRCA2 (BRCA2 DNA repair associated; plus strand). Cytogenetic location: 13q13.1.
Variant type: single nucleotide variant.
Coding change: c.8737G>C on transcript NM_000059.4 (MANE Select); coding-DNA position 8737, G replaced by C.
Protein change: p.Asp2913His; replaces aspartic acid 2913 with histidine.
Molecular consequence: missense variant.
Genome position (GRCh38, 1-based): chr13:32,376,774, G>C. VCF-style: chr13-32376774-G-C. GRCh37 (hg19) VCF-style: chr13-32950911-G-C.
Other names: short protein forms D2913H.
Identifiers: ClinVar variation 231585 (VCV000231585.24), dbSNP rs144322424, ClinGen allele CA6941288.